The following is an entry in ClinVar:

ClinVar aggregate classification (germline): Conflicting classifications of pathogenicity. Review status: criteria provided, conflicting classifications (1 of 4 stars). 11 submissions from 11 submitters: Pathogenic (4); Likely pathogenic (3); Uncertain significance (1). 3 of the submissions do not count toward it. Last evaluated 2024-11-05.

Conditions:
Hereditary spastic paraplegia 7 (SPG7). Also called: Autosomal recessive spastic paraplegia type 7; SPG7-related neurologic disorder; SPASTIC PARAPLEGIA 7, AUTOSOMAL RECESSIVE, WITH OR WITHOUT CEREBELLAR ATAXIA; Spastic paraplegia 7; Hereditary spastic paraplegia Paraplegin type. Identifiers: Orphanet 99013, MedGen C1846564, MONDO:0011803, OMIM 607259.

Allele frequency attached by ClinVar (database versions not stated): ExAC 0.00001; gnomAD exomes 0.00001 and 0.00003; TOPMed 0.00002; gnomAD 0.00004.

Submissions (11):

Labcorp Genetics (formerly Invitae), Labcorp
Classification: Pathogenic for Hereditary spastic paraplegia 7. Last evaluated: 2024-11-05. Review status: criteria provided, single submitter. Criteria: Invitae Variant Classification Sherloc (09022015). Collection method: clinical testing. Allele origin: germline.
Comment: This sequence change falls in intron 6 of the SPG7 gene. It does not directly change the encoded amino acid sequence of the SPG7 protein. It affects a nucleotide within the consensus splice site. This variant is present in population databases (rs771256761, gnomAD 0.002%). This variant has been observed in individual(s) with clinical features of hereditary spastic paraplegia (PMID: 22964162; internal data). In at least one individual the data is consistent with being in trans (on the opposite chromosome) from a pathogenic variant. ClinVar contains an entry for this variant (Variation ID: 855345). Variants that disrupt the consensus splice site are a relatively common cause of aberrant splicing (PMID: 17576681, 9536098). Algorithms developed to predict the effect of sequence changes on RNA splicing suggest that this variant may disrupt the consensus splice site. For these reasons, this variant has been classified as Pathogenic.

Fulgent Genetics
Classification: Likely pathogenic for Hereditary spastic paraplegia 7. Last evaluated: 2024-02-23. Review status: criteria provided, single submitter. Criteria: ACMG Guidelines, 2015. Collection method: clinical testing. Allele origin: germline.

Mayo Clinic Laboratories, Mayo Clinic
Classification: Likely pathogenic. Last evaluated: 2024-01-04. Review status: criteria provided, single submitter. Criteria: ACMG Guidelines, 2015. Collection method: clinical testing. Allele origin: germline.
Comment: PM3_strong, PS4_moderate

GeneDx
Classification: Pathogenic. Last evaluated: 2023-10-18. Review status: criteria provided, single submitter. Criteria: GeneDx Variant Classification Process June 2021. Collection method: clinical testing. Allele origin: germline. Affected: yes.
Comment: Intronic +5 splice site variant in a gene for which loss-of-function is a known mechanism of disease, and both in silico predictors and evolutionary conservation support a deleterious effect; Not observed at a significant frequency in large population cohorts (gnomAD); This variant is associated with the following publications: (PMID: 22964162, 34758253)

Women's Health and Genetics/Laboratory Corporation of America, LabCorp
Classification: Likely pathogenic for Hereditary spastic paraplegia 7. Last evaluated: 2022-11-26. Review status: criteria provided, single submitter. Criteria: LabCorp Variant Classification Summary - May 2015. Collection method: clinical testing. Allele origin: germline.
Comment: Variant summary: SPG7 c.861+2dupT alters a nucleotide located close to a canonical splice site and therefore could affect mRNA splicing, leading to a significantly altered protein sequence. Several computational tools predict a significant impact on normal splicing: Three predict the variant abolishes a canonical 5' splicing donor site. However, these predictions have yet to be confirmed by functional studies. The variant allele was found at a frequency of 8e-06 in 249420 control chromosomes (gnomAD). c.861+2dupT has been reported in the literature as a biallelic genotype in individuals affected with Spastic Paraplegia and spinocerebellar ataxia (van Gassen_2012, Hewamadduma_2018, van den Ameele_2021). These data indicate that the variant is likely to be associated with disease. To our knowledge, no experimental evidence demonstrating an impact on protein function has been reported. Two ClinVar submitters have assessed the variant since 2014: one classified the variant as likely pathogenic and one as pathogenic. Based on the evidence outlined above, the variant was classified as likely pathogenic.

Blueprint Genetics
Classification: Uncertain significance. Last evaluated: 2021-06-01. Review status: criteria provided, single submitter. Criteria: ACMG Guidelines, 2015. Collection method: clinical testing. Allele origin: germline.

Institute of Human Genetics, University Hospital of Duesseldorf
Classification: Pathogenic for Hereditary spastic paraplegia 7. Review status: criteria provided, single submitter. Criteria: ACMG Guidelines, 2015. Collection method: not provided. Allele origin: germline. Inheritance: Autosomal recessive inheritance. Affected: yes.

Paris Brain Institute, Inserm - ICM
Classification: Pathogenic for Hereditary spastic paraplegia 7. Review status: criteria provided, single submitter. Criteria: ACMG Guidelines, 2015. Collection method: clinical testing. Allele origin: unknown. Affected: yes. Observed: 2 variant alleles.

Genome Diagnostics Laboratory, Amsterdam University Medical Center
Classification: Pathogenic. Review status: no assertion criteria provided. Collection method: clinical testing. Allele origin: germline. Affected: yes. Study: VKGL Data-share Consensus. Not counted in ClinVar's aggregate classification.

Genome Diagnostics Laboratory, University Medical Center Utrecht
Classification: Pathogenic. Review status: no assertion criteria provided. Collection method: clinical testing. Allele origin: germline. Affected: yes. Study: VKGL Data-share Consensus. Not counted in ClinVar's aggregate classification.

Genomics England Pilot Project, Genomics England
Classification: Likely pathogenic for Hereditary spastic paraplegia 7. Review status: no assertion criteria provided. Criteria: ACGS Guidelines, 2016. Collection method: clinical testing. Allele origin: germline. Affected: yes. Not counted in ClinVar's aggregate classification.

Literature cited by the submitters: PubMed 22964162 (cited by 3 submitters); PubMed 17576681 (cited by Labcorp Genetics (formerly Invitae), Labcorp); PubMed 9536098 (cited by Labcorp Genetics (formerly Invitae), Labcorp); PubMed 30533525 (cited by Mayo Clinic Laboratories, Mayo Clinic and Women's Health and Genetics/Laboratory Corporation of America, LabCorp); PubMed 31068484 (cited by Mayo Clinic Laboratories, Mayo Clinic); PubMed 33883237 (cited by Mayo Clinic Laboratories, Mayo Clinic and Women's Health and Genetics/Laboratory Corporation of America, LabCorp); PubMed 34983064 (cited by Mayo Clinic Laboratories, Mayo Clinic).

NM_003119.4(SPG7):c.861+2dup

Gene: SPG7 (SPG7 matrix AAA peptidase subunit, paraplegin; plus strand). Cytogenetic location: 16q24.3.
Variant type: Duplication.
Coding change: c.861+2dup on transcript NM_003119.4 (MANE Select); the canonical splice donor site of the intron after coding-DNA position 861, one base duplicated (T; older notation c.861+2dupT).
Molecular consequence: splice donor variant.
Genome position (GRCh38, 1-based): chr16:89,529,581, T duplicated. VCF-style (leftmost placement, unchanged base first): chr16-89529580-G-GT. GRCh37 (hg19) VCF-style: chr16-89595988-G-GT.
Other names: p.?; c.861+2dupT (NM_003119.3); c.861+2dup (NM_001363850.1, NM_199367.3).
Identifiers: ClinVar variation 855345 (VCV000855345.23), dbSNP rs771256761, ClinGen allele CA8243802.